The following is an entry in ClinVar:

ClinVar aggregate classification (germline): Uncertain significance. Review status: criteria provided, multiple submitters, no conflicts (2 of 4 stars). 2 submissions from 2 submitters: Uncertain significance (2). Last evaluated 2025-04-28.

Conditions:
Inborn genetic diseases. Identifiers: MedGen C0950123, MeSH D030342.

Allele frequency attached by ClinVar (database versions not stated): gnomAD exomes 0.00001.
gnomAD v4.1: 8 of 1,612,380 alleles (0.0005%); highest among the groups gnomAD compares: East Asian, 0.0045%; no homozygotes.

Submissions (2):

Labcorp Genetics (formerly Invitae), Labcorp
Classification: Uncertain significance. Last evaluated: 2025-04-28. Review status: criteria provided, single submitter. Criteria: Invitae Variant Classification Sherloc (09022015). Collection method: clinical testing. Allele origin: germline.
Comment: This sequence change replaces arginine, which is basic and polar, with tryptophan, which is neutral and slightly polar, at codon 76 of the SLC1A3 protein (p.Arg76Trp). This variant is present in population databases (no rsID available, gnomAD 0.003%). This variant has not been reported in the literature in individuals affected with SLC1A3-related conditions. ClinVar contains an entry for this variant (Variation ID: 2605620). An algorithm developed to predict the effect of missense changes on protein structure and function (PolyPhen-2) suggests that this variant is likely to be disruptive. In summary, the available evidence is currently insufficient to determine the role of this variant in disease. Therefore, it has been classified as a Variant of Uncertain Significance.

Ambry Genetics
Classification: Uncertain significance for Inborn genetic diseases. Last evaluated: 2023-06-22. Review status: criteria provided, single submitter. Criteria: Ambry Variant Classification Scheme 2023. Collection method: clinical testing. Allele origin: germline.

NM_004172.5(SLC1A3):c.226C>T (p.Arg76Trp)

Gene: SLC1A3 (solute carrier family 1 member 3; plus strand). Cytogenetic location: 5p13.2.
Variant type: single nucleotide variant.
Coding change: c.226C>T on transcript NM_004172.5 (MANE Select); coding-DNA position 226, C replaced by T.
Protein change: p.Arg76Trp; replaces arginine 76 with tryptophan.
Molecular consequence: missense variant. On other transcripts: intron variant (1).
Genome position (GRCh38, 1-based): chr5:36,629,494, C>T. VCF-style: chr5-36629494-C-T. GRCh37 (hg19) VCF-style: chr5-36629596-C-T.
Other names: c.226C>T, p.Arg76Trp (NM_001166695.3, NM_001289940.2); c.181+20890C>T (NM_001289939.2); short protein forms R76W.
Identifiers: ClinVar variation 2605620 (VCV002605620.3), dbSNP rs951918420, ClinGen allele CA117023552.